The following is an entry in ClinVar:

NM_006662.3(SRCAP):c.5792C>T (p.Pro1931Leu)

Gene: SRCAP (Snf2 related CREBBP activator protein; plus strand). Cytogenetic location: 16p11.2.
Variant type: single nucleotide variant.
Coding change: c.5792C>T on transcript NM_006662.3 (MANE Select); coding-DNA position 5792, C replaced by T.
Protein change: p.Pro1931Leu; replaces proline 1931 with leucine.
Molecular consequence: missense variant.
Genome position (GRCh38, 1-based): chr16:30,729,099, C>T. VCF-style: chr16-30729099-C-T. GRCh37 (hg19) VCF-style: chr16-30740420-C-T.
Other names: short protein forms P1931L.
Identifiers: ClinVar variation 4537912 (VCV004537912.1).

ClinVar aggregate classification (germline): Uncertain significance (1 of 4 stars; one submission).

gnomAD v4.1: 3 of 1,614,214 alleles (0.00019%); highest among the groups gnomAD compares: Non-Finnish European, 0.00025%; no homozygotes.

Submission:

GeneDx
Classification: Uncertain significance. Last evaluated: 2025-06-10. Review status: criteria provided, single submitter. Criteria: GeneDx Variant Classification Process June 2021. Collection method: clinical testing. Allele origin: germline. Affected: yes.
Comment: Not observed at significant frequency in large population cohorts (gnomAD); In silico analysis supports that this missense variant has a deleterious effect on protein structure/function; Has not been previously published as pathogenic or benign to our knowledge